The following is an entry in ClinVar:

ClinVar aggregate classification (germline): Benign. Review status: reviewed by expert panel (3 of 4 stars). 16 submissions from 16 submitters: Benign (1). 15 of the submissions do not count toward it. Last evaluated 2015-08-10.

Conditions:
Hereditary cancer-predisposing syndrome. Also called: Hereditary Cancer Syndrome; Tumor predisposition; Hereditary neoplastic syndrome; Neoplastic Syndromes, Hereditary. Identifiers: Orphanet 140162, MedGen C0027672, MeSH D009386, MONDO:0015356.
Hereditary breast ovarian cancer syndrome. Also called: Hereditary breast and/or ovarian cancer syndrome; Hereditary breast and ovarian cancer syndrome; Hereditary breast and ovarian cancer syndrome (HBOC); Hereditary breast and ovarian cancer; Breast and ovarian cancer; BRCA1- and BRCA2-Associated Hereditary Breast and Ovarian Cancer. Identifiers: Orphanet 145, MedGen C0677776, MeSH D061325, MONDO:0003582. Disease mechanism: loss of function.
BRCA2-related disorder. Also called: BRCA2-related condition; BRCA2-related disorders. Identifiers: MedGen CN239275.
Breast-ovarian cancer, familial, susceptibility to, 2 (BROVCA2). Also called: BRCA2 Hereditary Breast and Ovarian Cancer. Identifiers: Orphanet 145, MedGen C2675520, MONDO:0012933, OMIM 612555. Disease mechanism: loss of function.

Allele frequency attached by ClinVar (database versions not stated): gnomAD 0.00004 and 0.00003; TOPMed 0.00003.
gnomAD v4.1: 28 of 1,613,562 alleles (0.0017%); highest among the groups gnomAD compares: Non-Finnish European, 0.0023%; no homozygotes.

Submissions (16):

Evidence-based Network for the Interpretation of Germline Mutant Alleles (ENIGMA)
Classification: Benign for Breast-ovarian cancer, familial 2. Last evaluated: 2015-08-10. Review status: reviewed by expert panel. Criteria: ENIGMA BRCA1/2 Classification Criteria (2015). Collection method: curation. Allele origin: germline.
Comment: IARC class based on posterior probability from multifactorial likelihood analysis, thresholds for class as per Plon et al. 2008 (PMID: 18951446). Class 1 based on posterior probability = 0.0000319

Institute for Biomarker Research, Medical Diagnostic Laboratories, L.L.C.
Classification: Likely benign for Hereditary breast ovarian cancer syndrome. Last evaluated: 2026-03-23. Review status: criteria provided, single submitter. Criteria: ACMG Guidelines, 2015. Collection method: clinical testing. Allele origin: germline. Not counted in ClinVar's aggregate classification.
Comment: The missense variant NM_000059.4(BRCA2):c.6143A>T (p.Asn2048Ile) has been reported to ClinVar as Benign with a status of (3 stars) reviewed by expert panel (Accession: VCV000038022.42). There is a large physicochemical difference between asparagine and isoleucine, which is likely to impact secondary protein structure as these residues differ in polarity, charge, size and/or other properties. For these reasons, this variant has been classified as Likely Benign.

Labcorp Genetics (formerly Invitae), Labcorp
Classification: Likely benign for Hereditary breast ovarian cancer syndrome. Last evaluated: 2026-01-31. Review status: criteria provided, single submitter. Criteria: Invitae Variant Classification Sherloc (09022015). Collection method: clinical testing. Allele origin: germline. Not counted in ClinVar's aggregate classification.

Mayo Clinic Laboratories, Mayo Clinic
Classification: Benign. Last evaluated: 2025-05-28. Review status: criteria provided, single submitter. Criteria: ACMG Guidelines, 2015. Collection method: clinical testing. Allele origin: germline. Observed: 1 variant allele. Not counted in ClinVar's aggregate classification.
Comment: BP1_strong, BP5_strong

Women's Health and Genetics/Laboratory Corporation of America, LabCorp
Classification: Benign. Last evaluated: 2021-04-02. Review status: criteria provided, single submitter. Criteria: LabCorp Variant Classification Summary - May 2015. Collection method: clinical testing. Allele origin: germline. Not counted in ClinVar's aggregate classification.
Comment: Variant summary: BRCA2 c.6143A>T (p.Asn2048Ile) results in a non-conservative amino acid change in the encoded protein sequence. Three of five in-silico tools predict a damaging effect of the variant on protein function. The variant allele was found at a frequency of 8e-06 in 250954 control chromosomes. The available data on variant occurrences in the general population are insufficient to allow any conclusion about variant significance. To our knowledge, no occurrence of c.6143A>T in individuals affected with Hereditary Breast And Ovarian Cancer Syndrome and no experimental evidence demonstrating its impact on protein function have been reported. Multifactorial probability based models have predicted a neutral outcome for this variant (example, Easton_2007, Lindor_2012). Multiple co-occurrences with other pathogenic variant(s) have been reported in the BIC database (BRCA2 c.6373_6374insA, p.Thr2125?fs; BRCA1 c.5503C>T, p.Arg1835X; BRCA2 c.7758G>A, p.Trp2586Ter; BRCA2 c.7758G>A, p.Trp2586Ter), providing supporting evidence for a benign role. Six clinical diagnostic laboratories and an expert panel (ENIGMA) have submitted clinical-significance assessments for this variant to ClinVar after 2014 without evidence for independent evaluation and a majority consensus of likely benign (n=4)/benign(n=2). Based on the evidence outlined above, the variant was classified as benign.

Quest Diagnostics Nichols Institute San Juan Capistrano
Classification: Likely benign. Last evaluated: 2021-01-05. Review status: criteria provided, single submitter. Criteria: Quest Diagnostics criteria. Collection method: clinical testing. Allele origin: unknown. Not counted in ClinVar's aggregate classification.

GeneDx
Classification: Likely benign. Last evaluated: 2020-12-16. Review status: criteria provided, single submitter. Criteria: GeneDx Variant Classification Process June 2021. Collection method: clinical testing. Allele origin: germline. Affected: yes. Not counted in ClinVar's aggregate classification.
Comment: This variant is associated with the following publications: (PMID: 24323938, 21990134, 17924331)

Eurofins Ntd Llc (ga)
Classification: Uncertain significance. Last evaluated: 2018-03-08. Review status: criteria provided, single submitter. Criteria: EGL ClinVar v180209 classification definitions. Collection method: clinical testing. Allele origin: germline. Observed: 1 variant allele, 1 heterozygote. Not counted in ClinVar's aggregate classification.

ARUP Laboratories, Molecular Genetics and Genomics, ARUP Laboratories
Classification: Likely benign. Last evaluated: 2016-11-22. Review status: criteria provided, single submitter. Criteria: ARUP Molecular Germline Variant Investigation Process. Collection method: clinical testing. Allele origin: germline. Not counted in ClinVar's aggregate classification.

Color Diagnostics, LLC DBA Color Health
Classification: Benign for Hereditary cancer-predisposing syndrome. Last evaluated: 2016-02-22. Review status: criteria provided, single submitter. Criteria: ACMG Guidelines, 2015. Collection method: clinical testing. Allele origin: germline. Not counted in ClinVar's aggregate classification.

Ambry Genetics
Classification: Benign for Hereditary cancer-predisposing syndrome. Last evaluated: 2014-11-19. Review status: criteria provided, single submitter. Criteria: Ambry Variant Classification Scheme 2023. Collection method: clinical testing. Allele origin: germline. Not counted in ClinVar's aggregate classification.

PreventionGenetics, part of Exact Sciences
Classification: Benign for BRCA2-related condition. Last evaluated: 2019-11-05. Review status: no assertion criteria provided. Collection method: clinical testing. Allele origin: germline. Not counted in ClinVar's aggregate classification.
Comment: This variant is classified as benign based on ACMG/AMP sequence variant interpretation guidelines (Richards et al. 2015 PMID: 25741868, with internal and published modifications).

Breast Cancer Information Core (BIC) (BRCA2)
Classification: Uncertain significance for Breast-ovarian cancer, familial 2. Last evaluated: 2002-05-29. Review status: no assertion criteria provided. Collection method: clinical testing. Allele origin: germline. Affected: yes. Observed: 6 variant alleles. Not counted in ClinVar's aggregate classification.

Clinical Genetics DNA and cytogenetics Diagnostics Lab, Erasmus MC, Erasmus Medical Center
Classification: Benign. Review status: no assertion criteria provided. Collection method: clinical testing. Allele origin: germline. Affected: yes. Study: VKGL Data-share Consensus. Not counted in ClinVar's aggregate classification.

Clinical Genetics Laboratory, Department of Pathology, Netherlands Cancer Institute
Classification: Benign. Review status: no assertion criteria provided. Collection method: clinical testing. Allele origin: germline. Affected: yes. Study: VKGL Data-share Consensus. Not counted in ClinVar's aggregate classification.

Diagnostic Laboratory, Department of Genetics, University Medical Center Groningen
Classification: Benign. Review status: no assertion criteria provided. Collection method: clinical testing. Allele origin: germline. Affected: yes. Study: VKGL Data-share Consensus. Not counted in ClinVar's aggregate classification.

Literature cited by the submitters: PubMed 21990134 (cited by 3 submitters); PubMed 17924331 (cited by Women's Health and Genetics/Laboratory Corporation of America, LabCorp and Quest Diagnostics Nichols Institute San Juan Capistrano); PubMed 24323938 (cited by Women's Health and Genetics/Laboratory Corporation of America, LabCorp and Quest Diagnostics Nichols Institute San Juan Capistrano); PubMed 25348012 (cited by Women's Health and Genetics/Laboratory Corporation of America, LabCorp and Quest Diagnostics Nichols Institute San Juan Capistrano); PubMed 29580235 (cited by Women's Health and Genetics/Laboratory Corporation of America, LabCorp).

NM_000059.4(BRCA2):c.6143A>T (p.Asn2048Ile)

Gene: BRCA2 (BRCA2 DNA repair associated; plus strand). Cytogenetic location: 13q13.1.
Variant type: single nucleotide variant.
Coding change: c.6143A>T on transcript NM_000059.4 (MANE Select); coding-DNA position 6143, A replaced by T.
Protein change: p.Asn2048Ile; replaces asparagine 2048 with isoleucine.
Molecular consequence: missense variant.
Genome position (GRCh38, 1-based): chr13:32,340,498, A>T. VCF-style: chr13-32340498-A-T. GRCh37 (hg19) VCF-style: chr13-32914635-A-T.
Other names: p.N2048I:AAT>ATT; 6371A>T; short protein forms N2048I.
Identifiers: ClinVar variation 38022 (VCV000038022.43), dbSNP rs80358853, ClinGen allele CA023695.